The following is an entry in ClinVar:

ClinVar aggregate classification (germline): Uncertain significance (1 of 4 stars; one submission).

Allele frequency attached by ClinVar (database versions not stated): ExAC 0.00005; gnomAD 0.00007 and 0.00009; gnomAD exomes 0.00007 and 0.00010; ESP Exome Variant Server 0.00008; TOPMed 0.00014; 1000 Genomes Project 30x 0.00016; 1000 Genomes Project 0.00020.
gnomAD v4.1: 136 of 1,596,424 alleles (0.0085%); highest among the groups gnomAD compares: Middle Eastern, 0.1%; 1 homozygote.

Submission:

Labcorp Genetics (formerly Invitae), Labcorp
Classification: Uncertain significance. Last evaluated: 2025-06-11. Review status: criteria provided, single submitter. Criteria: Invitae Variant Classification Sherloc (09022015). Collection method: clinical testing. Allele origin: germline.
Comment: This sequence change falls in intron 48 of the HMCN1 gene. It does not directly change the encoded amino acid sequence of the HMCN1 protein. It affects a nucleotide within the consensus splice site. This variant is present in population databases (rs369311506, gnomAD 0.02%). This variant has not been reported in the literature in individuals affected with HMCN1-related conditions. ClinVar contains an entry for this variant (Variation ID: 1412582). Variants that disrupt the consensus splice site are a relatively common cause of aberrant splicing (PMID: 17576681, 9536098). Algorithms developed to predict the effect of sequence changes on RNA splicing suggest that this variant is not likely to affect RNA splicing. In summary, the available evidence is currently insufficient to determine the role of this variant in disease. Therefore, it has been classified as a Variant of Uncertain Significance.

Literature cited by the submitters: PubMed 17576681; PubMed 9536098.

NM_031935.3(HMCN1):c.7513+4T>C

Gene: HMCN1 (hemicentin 1; plus strand). Cytogenetic location: 1q31.1.
Variant type: single nucleotide variant.
Coding change: c.7513+4T>C on transcript NM_031935.3 (MANE Select); 4 bases into the intron after coding-DNA position 7513, T replaced by C.
Molecular consequence: intron variant.
Genome position (GRCh38, 1-based): chr1:186,062,604, T>C. VCF-style: chr1-186062604-T-C. GRCh37 (hg19) VCF-style: chr1-186031736-T-C.
Identifiers: ClinVar variation 1412582 (VCV001412582.6), dbSNP rs369311506, ClinGen allele CA1292861.